The following is an entry in ClinVar:

NM_001193315.2(VIPAS39):c.1460C>T (p.Ser487Leu)

Gene: VIPAS39 (VPS33B interacting protein, apical-basolateral polarity regulator, spe-39 homolog; minus strand). Cytogenetic location: 14q24.3.
Variant type: single nucleotide variant.
Coding change: c.1460C>T on transcript NM_001193315.2 (MANE Select); coding-DNA position 1460, C replaced by T.
Protein change: p.Ser487Leu; replaces serine 487 with leucine.
Molecular consequence: missense variant.
Genome position (GRCh38, 1-based): chr14:77,428,371, G>A on the plus strand (C>T on the coding strand, the complement: VIPAS39 is on the minus strand). VCF-style: chr14-77428371-G-A. GRCh37 (hg19) VCF-style: chr14-77894714-G-A.
Other names: p.Ser487Leu; c.1313C>T, p.Ser438Leu (NM_001193316.2); c.1460C>T, p.Ser487Leu (NM_001193317.2, NM_022067.4, NM_001193314.2); short protein forms S487L, S438L.
Identifiers: ClinVar variation 501089 (VCV000501089.14), dbSNP rs140365206, ClinGen allele CA7287708.
Genomic context (GRCh38, chr14:77,428,371, plus strand): 5'-CTATTTTGTGAACTGTCTGTCTCCTGAGCCTGCTGGAGGGGTGAACTGTAGCTGCTCACC[G>A]AGCTGCTGAGAAGAGCATCAATCTTCTCCTCCTCTGCTGATCCTTTATCTACCTTACTCC-3'
Protein context (NP_001180244.1, residues 477-493): EEKIDALLSS[Ser487Leu]QIRWKN

ClinVar aggregate classification (germline): Conflicting classifications of pathogenicity. Review status: criteria provided, conflicting classifications (1 of 4 stars). 6 submissions from 6 submitters: Uncertain significance (3); Likely benign (2). 1 of the submissions does not count toward it. Last evaluated 2026-01-02.

Conditions:
VIPAS39-related disorder. Also called: VIPAS39-related condition.

Allele frequency attached by ClinVar (database versions not stated): gnomAD exomes 0.00006 and 0.00021; ExAC 0.00026; 1000 Genomes Project 0.00060; ESP Exome Variant Server 0.00069; gnomAD 0.00076 and 0.00084; TOPMed 0.00076; 1000 Genomes Project 30x 0.00094.
gnomAD v4.1: 209 of 1,613,532 alleles (0.013%); highest among the groups gnomAD compares: African/African-American, 0.24%; no homozygotes.

Submissions (6):

Labcorp Genetics (formerly Invitae), Labcorp
Classification: Likely benign. Last evaluated: 2026-01-02. Review status: criteria provided, single submitter. Criteria: Invitae Variant Classification Sherloc (09022015). Collection method: clinical testing. Allele origin: germline.

Mayo Clinic Laboratories, Mayo Clinic
Classification: Likely benign. Last evaluated: 2025-09-16. Review status: criteria provided, single submitter. Criteria: ACMG Guidelines, 2015. Collection method: clinical testing. Allele origin: germline. Observed: 1 variant allele.
Comment: BS1, BP4

Women's Health and Genetics/Laboratory Corporation of America, LabCorp
Classification: Uncertain significance. Last evaluated: 2023-12-21. Review status: criteria provided, single submitter. Criteria: LabCorp Variant Classification Summary - May 2015. Collection method: clinical testing. Allele origin: germline.
Comment: Variant summary: VIPAS39 c.1460C>T (p.Ser487Leu) results in a non-conservative amino acid change in the encoded protein sequence. Three of five in-silico tools predict a benign effect of the variant on protein function. Consensus agreement among computation tools predict no significant impact on normal splicing. However, these predictions have yet to be confirmed by functional studies. The variant allele was found at a frequency of 0.00021 in 251004 control chromosomes (gnomAD). To our knowledge, no occurrence of c.1460C>T in individuals affected with Arthrogryposis, Renal Dysfunction, And Cholestasis 2 and no experimental evidence demonstrating its impact on protein function have been reported. Three submitters have cited clinical-significance assessments for this variant to ClinVar after 2014 and classified the variant as VUS (n=2) and likely benign (n=2). Based on the evidence outlined above, the variant was classified as uncertain significance.

GeneDx
Classification: Uncertain significance. Last evaluated: 2022-06-14. Review status: criteria provided, single submitter. Criteria: GeneDx Variant Classification Process June 2021. Collection method: clinical testing. Allele origin: germline. Affected: yes.
Comment: In silico analysis supports that this missense variant does not alter protein structure/function; Has not been previously published as pathogenic or benign to our knowledge

Eurofins Ntd Llc (ga)
Classification: Uncertain significance. Last evaluated: 2018-04-20. Review status: criteria provided, single submitter. Criteria: EGL ClinVar v180209 classification definitions. Collection method: clinical testing. Allele origin: germline. Observed: 2 variant alleles, 2 heterozygotes.

PreventionGenetics, part of Exact Sciences
Classification: Likely benign for VIPAS39-related condition. Last evaluated: 2022-04-19. Review status: no assertion criteria provided. Collection method: clinical testing. Allele origin: germline. Not counted in ClinVar's aggregate classification.
Comment: This variant is classified as likely benign based on ACMG/AMP sequence variant interpretation guidelines (Richards et al. 2015 PMID: 25741868, with internal and published modifications).